The following is an entry in ClinVar:

ClinVar aggregate classification (germline): Uncertain significance. Review status: criteria provided, single submitter (1 of 4 stars). 3 submissions from 3 submitters: Uncertain significance (1). 2 of the submissions do not count toward it. Last evaluated 2015-06-17.

Conditions:
Cardiomyopathy (CMYO). Also called: Cardiomyopathies. Identifiers: Orphanet 167848, MedGen C0878544, MONDO:0004994, HP:0001638. Inheritance: Various modes of inheritance.
Left ventricular noncompaction. Identifiers: Orphanet 54260, MedGen C1960469, MONDO:0018901, HP:0030682.
Floppy infant. Also called: Infantile muscular hypotonia. Identifiers: MedGen C1860834, HP:0008947.
Lethal left ventricular non-compaction-seizures-hypotonia-cataract-developmental delay syndrome. Also called: Combined oxidative phosphorylation deficiency 31. Identifiers: Orphanet 478049, MedGen C4310661, MONDO:0014976, OMIM 617228.

Allele frequency attached by ClinVar (database versions not stated): gnomAD exomes below 0.00001.
gnomAD v4.1: 1 of 1,614,040 alleles (0.000062%); highest among the groups gnomAD compares: Non-Finnish European, 0.000085%; no homozygotes.

Submissions (3):

Baylor Genetics
Classification: Uncertain significance for Cardiomyopathy; Left ventricular noncompaction; Infantile muscular hypotonia. Last evaluated: 2015-06-17. Review status: criteria provided, single submitter. Criteria: Eldomery et al. (Genome Med. 2016). Collection method: clinical testing. Allele origin: paternal, unknown. Inheritance: Autosomal recessive inheritance. Affected: yes and no. Observed: 1 heterozygote, 1 compound heterozygote. Study: MIPEP.

OMIM
Classification: Pathogenic for COMBINED OXIDATIVE PHOSPHORYLATION DEFICIENCY 31. Last evaluated: 2016-12-01. Review status: no assertion criteria provided. Collection method: literature only. Allele origin: germline. Not counted in ClinVar's aggregate classification.

Lupski Lab, Baylor-Hopkins CMG, Baylor College of Medicine
Classification: Pathogenic for Lethal left ventricular non-compaction-seizures-hypotonia-cataract-developmental delay syndrome. Review status: no assertion criteria provided. Collection method: research. Allele origin: germline. Inheritance: Autosomal recessive inheritance. Affected: yes. Not counted in ClinVar's aggregate classification.

Literature cited by the submitters: PubMed 27799064 (cited by OMIM).

NM_005932.4(MIPEP):c.1745T>G (p.Leu582Arg)

Gene: MIPEP (mitochondrial intermediate peptidase; minus strand). Cytogenetic location: 13q12.12.
Variant type: single nucleotide variant.
Coding change: c.1745T>G on transcript NM_005932.4 (MANE Select); coding-DNA position 1745, T replaced by G.
Protein change: p.Leu582Arg; replaces leucine 582 with arginine.
Molecular consequence: missense variant.
Genome position (GRCh38, 1-based): chr13:23,806,053, A>C on the plus strand (T>G on the coding strand, the complement: MIPEP is on the minus strand). VCF-style: chr13-23806053-A-C. GRCh37 (hg19) VCF-style: chr13-24380192-A-C.
Other names: short protein forms L582R.
Identifiers: ClinVar variation 208628 (VCV000208628.2), dbSNP rs1057518739, ClinGen allele CA16040608.